The following is an entry in ClinVar:

NC_000016.9:g.(?_3929894)_(3931297_?)del

Gene: CREBBP (CREB binding lysine acetyltransferase; minus strand). Cytogenetic location: 16p13.3.
Variant type: Deletion.
Identifiers: ClinVar variation 3243313 (VCV003243313.1).

ClinVar aggregate classification (germline): Pathogenic (1 of 4 stars; one submission).

Conditions:
Rubinstein-Taybi syndrome (RSTS). Identifiers: Orphanet 783, MedGen C0035934, MONDO:0019188.

Submission:

Labcorp Genetics (formerly Invitae), Labcorp
Classification: Pathogenic for Rubinstein-Taybi syndrome. Last evaluated: 2018-04-11. Review status: criteria provided, single submitter. Criteria: Invitae Variant Classification Sherloc (09022015). Collection method: clinical testing. Allele origin: unknown.
Comment: For these reasons, this variant has been classified as Pathogenic. This variant is a gross deletion of the genomic region encompassing first 24 nucleotides of exon 1 of the CREBBP gene (c.-1380_24del), which includes the initiator codon. This is expected to result in an absent or disrupted protein product. This variant has not been reported in the literature in individuals with CREBBP-related disease. Loss-of-function variants in CREBBP are known to be pathogenic (PMID: 17052327, 18792986).

Literature cited by the submitters: PubMed 17052327; PubMed 18792986.